The following is an entry in ClinVar:

NM_000465.4(BARD1):c.15G>C (p.Arg5=)

Gene: BARD1 (BRCA1 associated RING domain 1; minus strand). Cytogenetic location: 2q35.
Variant type: single nucleotide variant.
Coding change: c.15G>C on transcript NM_000465.4 (MANE Select); coding-DNA position 15, G replaced by C.
Protein change: p.Arg5=; no amino-acid change (arginine 5 retained).
Molecular consequence: synonymous variant. On other transcripts: non-coding transcript variant (3).
Genome position (GRCh38, 1-based): chr2:214,809,555, C>G on the plus strand (G>C on the coding strand, the complement: BARD1 is on the minus strand). VCF-style: chr2-214809555-C-G. GRCh37 (hg19) VCF-style: chr2-215674279-C-G.
Other names: c.15G>C, p.Arg5= (NM_001282548.2, NM_001282549.2, NM_001282543.2 and 1 more transcripts).
Identifiers: ClinVar variation 388909 (VCV000388909.21), dbSNP rs769204862, ClinGen allele CA2090536.

ClinVar aggregate classification (germline): Benign/Likely benign. Review status: criteria provided, multiple submitters, no conflicts (2 of 4 stars). 7 submissions from 7 submitters: Benign (1); Likely benign (6). Last evaluated 2025-12-10.

Conditions:
Familial cancer of breast. Also called: Hereditary breast cancer; hereditary breast carcinoma; BREAST CANCER, FAMILIAL. Identifiers: Orphanet 227535, MedGen C0346153, MONDO:0016419, OMIM 114480. Disease mechanism: loss of function.
Hereditary cancer-predisposing syndrome. Also called: Hereditary Cancer Syndrome; Hereditary neoplastic syndrome; Neoplastic Syndromes, Hereditary; Tumor predisposition. Identifiers: Orphanet 140162, MedGen C0027672, MeSH D009386, MONDO:0015356.

Allele frequency attached by ClinVar (database versions not stated): gnomAD 0.00001; gnomAD exomes 0.00001; ExAC 0.00004.
gnomAD v4.1: 8 of 1,561,108 alleles (0.00051%); highest among the groups gnomAD compares: Non-Finnish European, 0.00069%; no homozygotes.

Submissions (7):

Labcorp Genetics (formerly Invitae), Labcorp
Classification: Likely benign for Familial cancer of breast. Last evaluated: 2025-12-10. Review status: criteria provided, single submitter. Criteria: Invitae Variant Classification Sherloc (09022015). Collection method: clinical testing. Allele origin: germline.

Myriad Genetics, Inc.
Classification: Benign for Familial cancer of breast. Last evaluated: 2024-07-18. Review status: criteria provided, single submitter. Criteria: Myriad Autosomal Dominant, Autosomal Recessive and X-Linked Classification Criteria (2023). Collection method: clinical testing. Allele origin: unknown.
Comment: This variant is considered benign. This variant is a silent/synonymous amino acid change and it is not expected to impact splicing.

Sema4
Classification: Likely benign for Hereditary cancer-predisposing syndrome. Last evaluated: 2021-06-09. Review status: criteria provided, single submitter. Criteria: Sema4 Curation Guidelines. Collection method: curation. Allele origin: germline.

Women's Health and Genetics/Laboratory Corporation of America, LabCorp
Classification: Likely benign. Last evaluated: 2019-08-21. Review status: criteria provided, single submitter. Criteria: LabCorp Variant Classification Summary - May 2015. Collection method: clinical testing. Allele origin: germline.

Color Diagnostics, LLC DBA Color Health
Classification: Likely benign for Hereditary cancer-predisposing syndrome. Last evaluated: 2017-10-09. Review status: criteria provided, single submitter. Criteria: ACMG Guidelines, 2015. Collection method: clinical testing. Allele origin: germline.

GeneDx
Classification: Likely benign. Last evaluated: 2016-08-26. Review status: criteria provided, single submitter. Criteria: GeneDx Variant Classification (06012015). Collection method: clinical testing. Allele origin: germline. Affected: yes.
Comment: This variant is considered likely benign or benign based on one or more of the following criteria: it is a conservative change, it occurs at a poorly conserved position in the protein, it is predicted to be benign by multiple in silico algorithms, and/or has population frequency not consistent with disease.

Ambry Genetics
Classification: Likely benign for Hereditary cancer-predisposing syndrome. Last evaluated: 2015-10-13. Review status: criteria provided, single submitter. Criteria: Ambry Variant Classification Scheme 2023. Collection method: clinical testing. Allele origin: germline.